The following is an entry in ClinVar:

NM_000268.4(NF2):c.114+6C>T

Gene: NF2 (NF2, moesin-ezrin-radixin like (MERLIN) tumor suppressor; plus strand). Cytogenetic location: 22q12.2.
Variant type: single nucleotide variant.
Coding change: c.114+6C>T on transcript NM_000268.4 (MANE Select); 6 bases into the intron after coding-DNA position 114, C replaced by T.
Molecular consequence: intron variant.
Genome position (GRCh38, 1-based): chr22:29,604,118, C>T. VCF-style: chr22-29604118-C-T. GRCh37 (hg19) VCF-style: chr22-30000107-C-T.
Other names: c.114+6C>T (NM_016418.5, NM_181832.3, NM_181833.3 and 5 more transcripts).
Identifiers: ClinVar variation 945221 (VCV000945221.10), dbSNP rs1060503671, ClinGen allele CA1024936782.
Genomic context (GRCh38, chr22:29,604,118, plus strand): 5'-GACGTTCACCGTGAGGATCGTCACCATGGACGCCGAGATGGAGTTCAATTGCGAGGTAAC[C>T]GGCCGGCAGCCCCGACTGCTGCGGTGACAGTCGAGGTGGAAGCTCGAGAGGTTCTCTTTA-3'

ClinVar aggregate classification (germline): Conflicting classifications of pathogenicity. Review status: criteria provided, conflicting classifications (1 of 4 stars). 3 submissions from 3 submitters: Uncertain significance (2); Likely benign (1). Last evaluated 2025-10-02.

Conditions:
Neurofibromatosis, type 2 (SWNV). Also called: BILATERAL ACOUSTIC NEUROFIBROMATOSIS; SCHWANNOMATOSIS, VESTIBULAR; NF2-Related Schwannomatosis. Identifiers: Orphanet 637, MedGen C0027832, MONDO:0007039, OMIM 101000. Disease mechanism: loss of function.
Familial meningioma. Also called: Meningioma, familial, susceptibility to. Identifiers: Orphanet 263662, MedGen C3551915, MONDO:0011789, OMIM 607174.

Allele frequency attached by ClinVar (database versions not stated): gnomAD 0.00001.

Submissions (3):

Labcorp Genetics (formerly Invitae), Labcorp
Classification: Likely benign for Neurofibromatosis, type 2. Last evaluated: 2025-10-02. Review status: criteria provided, single submitter. Criteria: Invitae Variant Classification Sherloc (09022015). Collection method: clinical testing. Allele origin: germline.

Fulgent Genetics
Classification: Uncertain significance for Neurofibromatosis, type 2; Familial meningioma. Last evaluated: 2024-04-03. Review status: criteria provided, single submitter. Criteria: ACMG Guidelines, 2015. Collection method: clinical testing. Allele origin: germline.

All of Us Research Program, National Institutes of Health
Classification: Uncertain significance for Neurofibromatosis, type 2. Last evaluated: 2024-02-22. Review status: criteria provided, single submitter. Criteria: ACMG Guidelines, 2015. Collection method: clinical testing. Allele origin: germline. Inheritance: Autosomal dominant inheritance. Observed: 1 variant allele, 1 heterozygote.
Comment: This variant causes a C to T nucleotide substitution at the +6 position of intron 1 of the NF2 gene. To our knowledge, functional studies have not been reported for this variant. This variant has not been reported in individuals affected with NF2-related disorders in the literature. This variant has not been identified in the general population by the Genome Aggregation Database (gnomAD). The available evidence is insufficient to determine the role of this variant in disease conclusively. Therefore, this variant is classified as a Variant of Uncertain Significance.

This study involves interpretation of variants in research participants for the purpose of population health screening. Participant phenotype was not available at the time of variant classification. Additional details can be found in publication PMID: 35346344, PMCID: PMC8962531